The following is an entry in ClinVar:

ClinVar aggregate classification (germline): conflicting data from submitters (0 of 4 stars; one submission).

Submission:

ISCA site 1
Classification: conflicting data from submitters. Last evaluated: 2011-01-05. Review status: no assertion criteria provided. Collection method: clinical testing. Allele origin: unknown, paternal. Affected: yes. Observed: 2 variant alleles.
Comment: Uncertain significance(1), Likely benign (1)

Copy number variation identified through the course of routine clinical cytogenomic testing in postnatal populations, with clinical assertions as classified by the original submitter. For data from the original published study, Kaminsky, et al. 2011 (PubMed 21844811), please see nstd101.

GRCh38/hg38 16p13.3(chr16:6735606-7051313)x3

Genes: RBFOX1 (RNA binding fox-1 homolog 1; plus strand), LOC129390761 (MPRA-validated peak2485 silencer; plus strand). Cytogenetic location: 16p13.3.
Variant type: copy number gain.
Change: copy number 3 (three copies instead of two) of chr16:6,735,606-7,051,313 (315.7 kb, GRCh38 coordinates, 1-based), cytogenetic band 16p13.3.
Identifiers: ClinVar variation 146416 (VCV000146416.2).